The following is an entry in ClinVar:

NM_018191.4(RCBTB1):c.715G>T (p.Val239Phe)

Gene: RCBTB1 (RCC1 and BTB domain containing protein 1; minus strand). Cytogenetic location: 13q14.2.
Variant type: single nucleotide variant.
Coding change: c.715G>T on transcript NM_018191.4 (MANE Select); coding-DNA position 715, G replaced by T.
Protein change: p.Val239Phe; replaces valine 239 with phenylalanine.
Molecular consequence: missense variant. On other transcripts: non-coding transcript variant (2).
Genome position (GRCh38, 1-based): chr13:49,551,465, C>A on the plus strand (G>T on the coding strand, the complement: RCBTB1 is on the minus strand). VCF-style: chr13-49551465-C-A. GRCh37 (hg19) VCF-style: chr13-50125601-C-A.
Other names: c.715G>T, p.Val239Phe (NM_001352500.2, NM_001352501.2, NM_001352502.2 and 3 more transcripts); c.136G>T, p.Val46Phe (NM_001352506.2); c.715G>T (NM_018191.3); short protein forms V239F, V46F.
Identifiers: ClinVar variation 1438241 (VCV001438241.7), dbSNP rs2139181263, ClinGen allele CA388190749.

ClinVar aggregate classification (germline): Uncertain significance. Review status: criteria provided, multiple submitters, no conflicts (2 of 4 stars). 2 submissions from 2 submitters: Uncertain significance (2). Last evaluated 2025-10-02.

gnomAD v4.1: 3 of 1,613,958 alleles (0.00019%); highest among the groups gnomAD compares: Middle Eastern, 0.016%; no homozygotes.

Submissions (2):

Ambry Genetics
Classification: Uncertain significance. Last evaluated: 2025-10-02. Review status: criteria provided, single submitter. Criteria: Ambry Variant Classification Scheme 2023. Collection method: clinical testing. Allele origin: germline.

Labcorp Genetics (formerly Invitae), Labcorp
Classification: Uncertain significance. Last evaluated: 2021-08-31. Review status: criteria provided, single submitter. Criteria: Invitae Variant Classification Sherloc (09022015). Collection method: clinical testing. Allele origin: germline.
Comment: This variant has not been reported in the literature in individuals affected with RCBTB1-related conditions. Algorithms developed to predict the effect of missense changes on protein structure and function are either unavailable or do not agree on the potential impact of this missense change (SIFT: "Deleterious"; PolyPhen-2: "Probably Damaging"; Align-GVGD: "Class C0"). In summary, the available evidence is currently insufficient to determine the role of this variant in disease. Therefore, it has been classified as a Variant of Uncertain Significance. This variant is not present in population databases (ExAC no frequency). This sequence change replaces valine with phenylalanine at codon 239 of the RCBTB1 protein (p.Val239Phe). The valine residue is highly conserved and there is a small physicochemical difference between valine and phenylalanine.